The following is an entry in ClinVar:

ClinVar aggregate classification (germline): Uncertain significance. Review status: criteria provided, multiple submitters, no conflicts (2 of 4 stars). 2 submissions from 2 submitters: Uncertain significance (2). Last evaluated 2024-11-14.

Conditions:
Inborn genetic diseases. Identifiers: MedGen C0950123, MeSH D030342.

Allele frequency attached by ClinVar (database versions not stated): gnomAD exomes 0.00001 and 0.00003; ExAC 0.00002; gnomAD 0.00005; TOPMed 0.00008.
gnomAD v4.1: 14 of 1,583,092 alleles (0.00088%); highest among the groups gnomAD compares: African/African-American, 0.019%; no homozygotes.

Submissions (2):

Ambry Genetics
Classification: Uncertain significance for Inborn genetic diseases. Last evaluated: 2024-11-14. Review status: criteria provided, single submitter. Criteria: Ambry Variant Classification Scheme 2023. Collection method: clinical testing. Allele origin: germline.

Labcorp Genetics (formerly Invitae), Labcorp
Classification: Uncertain significance. Last evaluated: 2021-06-22. Review status: criteria provided, single submitter. Criteria: Invitae Variant Classification Sherloc (09022015). Collection method: clinical testing. Allele origin: germline.
Comment: In summary, the available evidence is currently insufficient to determine the role of this variant in disease. Therefore, it has been classified as a Variant of Uncertain Significance. Algorithms developed to predict the effect of missense changes on protein structure and function output the following: SIFT: "Tolerated"; PolyPhen-2: "Benign"; Align-GVGD: "Class C0". The alanine amino acid residue is found in multiple mammalian species, suggesting that this missense change does not adversely affect protein function. These predictions have not been confirmed by published functional studies and their clinical significance is uncertain. This variant has not been reported in the literature in individuals with RAB3GAP1-related conditions. This variant is present in population databases (rs758870641, ExAC 0.03%). This sequence change replaces threonine with alanine at codon 430 of the RAB3GAP1 protein (p.Thr430Ala). The threonine residue is moderately conserved and there is a small physicochemical difference between threonine and alanine.

NM_012233.3(RAB3GAP1):c.1288A>G (p.Thr430Ala)

Gene: RAB3GAP1 (RAB3 GTPase activating protein catalytic subunit 1; plus strand). Cytogenetic location: 2q21.3.
Variant type: single nucleotide variant.
Coding change: c.1288A>G on transcript NM_012233.3 (MANE Select); coding-DNA position 1288, A replaced by G.
Protein change: p.Thr430Ala; replaces threonine 430 with alanine.
Molecular consequence: missense variant.
Genome position (GRCh38, 1-based): chr2:135,132,946, A>G. VCF-style: chr2-135132946-A-G. GRCh37 (hg19) VCF-style: chr2-135890516-A-G.
Other names: c.1288A>G, p.Thr430Ala (NM_001172435.2); c.1288A>G (NM_012233.2); short protein forms T430A.
Identifiers: ClinVar variation 1362758 (VCV001362758.7), dbSNP rs758870641, ClinGen allele CA1884804.